The following is an entry in ClinVar:

ClinVar aggregate classification (germline): Likely pathogenic. Review status: criteria provided, multiple submitters, no conflicts (2 of 4 stars). 2 submissions from 2 submitters: Likely pathogenic (2). Last evaluated 2024-11-01.

Conditions:
Long QT syndrome 1 (LQT1). Identifiers: Orphanet 101016, Orphanet 768, MedGen C4551647, MONDO:0100316, OMIM 192500, MONDO:0008646.

Submissions (2):

CeGaT Center for Human Genetics Tuebingen
Classification: Likely pathogenic. Last evaluated: 2024-11-01. Review status: criteria provided, single submitter. Criteria: CeGaT Center For Human Genetics Tuebingen Variant Classification Criteria Version 2. Collection method: clinical testing. Allele origin: germline. Affected: yes. Observed: 1 variant allele.
Comment: KCNQ1: PM2, PS4:Moderate, PP2, PP3, PS3:Supporting

MVZ Martinsried, Medicover Genetics
Classification: Likely pathogenic for Long QT syndrome 1. Last evaluated: 2018-01-09. Review status: criteria provided, single submitter. Criteria: ACMG Guidelines, 2015. Collection method: clinical testing. Allele origin: unknown. Affected: yes.

NM_000218.3(KCNQ1):c.321G>T (p.Gln107His)

Gene: KCNQ1 (potassium voltage-gated channel subfamily Q member 1; plus strand). Cytogenetic location: 11p15.5.
Variant type: single nucleotide variant.
Coding change: c.321G>T on transcript NM_000218.3 (MANE Select); coding-DNA position 321, G replaced by T.
Protein change: p.Gln107His; replaces glutamine 107 with histidine.
Molecular consequence: missense variant.
Genome position (GRCh38, 1-based): chr11:2,445,419, G>T. VCF-style: chr11-2445419-G-T. GRCh37 (hg19) VCF-style: chr11-2466649-G-T.
Other names: short protein forms Q107H.
Identifiers: ClinVar variation 200878 (VCV000200878.15), dbSNP rs1554958092, ClinGen allele CA006790.